The following is an entry in ClinVar:

NM_025074.7(FRAS1):c.-65T>C

Gene: FRAS1 (Fraser extracellular matrix complex subunit 1; plus strand). Cytogenetic location: 4q21.21.
Variant type: single nucleotide variant.
Coding change: c.-65T>C on transcript NM_025074.7 (MANE Select); 65 bases upstream of the start codon, T replaced by C.
Molecular consequence: 5 prime UTR variant.
Genome position (GRCh38, 1-based): chr4:78,057,945, T>C. VCF-style: chr4-78057945-T-C. GRCh37 (hg19) VCF-style: chr4-78979099-T-C.
Other names: c.-65T>C (NM_001166133.2).
Identifiers: ClinVar variation 349648 (VCV000349648.6), dbSNP rs6832285, ClinGen allele CA10619219.

ClinVar aggregate classification (germline): Benign. Review status: criteria provided, multiple submitters, no conflicts (2 of 4 stars). 2 submissions from 2 submitters: Benign (2). Last evaluated 2018-01-12.

Conditions:
Fraser syndrome 1 (FRASRS1). Also called: CRYPTOPHTHALMOS WITH OTHER MALFORMATIONS. Identifiers: Orphanet 2052, MedGen C4551480, MONDO:0054737, OMIM 219000.

Allele frequency attached by ClinVar (database versions not stated): gnomAD exomes 0.01809; gnomAD 0.08853 and 0.08887; TOPMed 0.09672; 1000 Genomes Project 0.14397; 1000 Genomes Project 30x 0.14725.
gnomAD v4.1: 39,054 of 1,524,990 alleles (2.6%); highest among the groups gnomAD compares: African/African-American, 27%; 3,694 homozygotes.

Submissions (2):

Illumina Laboratory Services, Illumina
Classification: Benign for Fraser syndrome 1. Last evaluated: 2018-01-12. Review status: criteria provided, single submitter. Criteria: ICSL Variant Classification Criteria 13 December 2019. Collection method: clinical testing. Allele origin: germline.
Comment: This variant was observed in the ICSL laboratory as part of a predisposition screen in an ostensibly healthy population. It had not been previously curated by ICSL or reported in the Human Gene Mutation Database (HGMD: prior to June 1st, 2018), and was therefore a candidate for classification through an automated scoring system. Utilizing variant allele frequency, disease prevalence and penetrance estimates, and inheritance mode, an automated score was calculated to assess if this variant is too frequent to cause the disease. Based on the score and internal cut-off values, a variant classified as benign is not then subjected to further curation. The score for this variant resulted in a classification of benign for this disease.

Breakthrough Genomics
Classification: Benign. Review status: criteria provided, single submitter. Criteria: ACMG Guidelines, 2015. Collection method: not provided. Allele origin: germline. Inheritance: Autosomal recessive inheritance. Affected: yes.